The following is an entry in ClinVar:

ClinVar aggregate classification (germline): Uncertain significance. Review status: criteria provided, multiple submitters, no conflicts (2 of 4 stars). 3 submissions from 3 submitters: Uncertain significance (3). Last evaluated 2025-11-12.

Conditions:
Breast-ovarian cancer, familial, susceptibility to, 1 (BROVCA1). Also called: BRCA1 Hereditary Breast and Ovarian Cancer; OVARIAN CANCER, SUSCEPTIBILITY TO. Identifiers: Orphanet 145, MedGen C2676676, MONDO:0011450, OMIM 604370. Disease mechanism: loss of function.
Hereditary cancer-predisposing syndrome. Also called: Tumor predisposition; Hereditary Cancer Syndrome; Hereditary neoplastic syndrome; Neoplastic Syndromes, Hereditary. Identifiers: Orphanet 140162, MedGen C0027672, MeSH D009386, MONDO:0015356.

Submissions (3):

Ambry Genetics
Classification: Uncertain significance for Hereditary cancer-predisposing syndrome. Last evaluated: 2025-11-12. Review status: criteria provided, single submitter. Criteria: Ambry Variant Classification Scheme 2023. Collection method: clinical testing. Allele origin: germline.
Comment: The c.2227_2229delAAT variant (also known as p.N743del) is located in coding exon 9 of the BRCA1 gene. This variant results from an in-frame AAT deletion at nucleotide positions 2227 to 2229. This results in the in-frame deletion of an asparagine at codon 743. This amino acid position is poorly conserved in available vertebrate species. In addition, this variant is predicted to be deleterious by in silico analysis (Choi Y et al. PLoS ONE. 2012; 7(10):e46688). Based on the available evidence, the clinical significance of this variant remains unclear.

All of Us Research Program, National Institutes of Health
Classification: Uncertain significance for Breast-ovarian cancer, familial, susceptibility to, 1. Last evaluated: 2023-08-15. Review status: criteria provided, single submitter. Criteria: ACMG Guidelines, 2015. Collection method: clinical testing. Allele origin: germline. Inheritance: Autosomal dominant inheritance. Observed: 1 variant allele, 1 heterozygote.
Comment: This variant causes an in-frame deletion of one amino acid in the BRCA1 protein. To our knowledge, functional studies have not been reported for this variant. This variant has been reported in an individual affected with ovarian cancer; this individual also carried a pathogenic variant in the MSH6 gene that could explain the observed phenotype (PMID: 36169650). This variant has been identified in 1/251102 chromosomes in the general population by the Genome Aggregation Database (gnomAD). The available evidence is insufficient to determine the role of this variant in disease conclusively. Therefore, this variant is classified as a Variant of Uncertain Significance.

This study involves interpretation of variants in research participants for the purpose of population health screening. Participant phenotype was not available at the time of variant classification. Additional details can be found in publication PMID: 35346344, PMCID: PMC8962531

Color Diagnostics, LLC DBA Color Health
Classification: Uncertain significance for Hereditary cancer-predisposing syndrome. Last evaluated: 2023-08-04. Review status: criteria provided, single submitter. Criteria: ACMG Guidelines, 2015. Collection method: clinical testing. Allele origin: germline.
Comment: This variant causes an in-frame deletion of one amino acid in the BRCA1 protein. To our knowledge, functional studies have not been reported for this variant. This variant has been reported in an individual affected with ovarian cancer; this individual also carried a pathogenic variant in the MSH6 gene that could explain the observed phenotype (PMID: 36169650). This variant has been identified in 1/251102 chromosomes in the general population by the Genome Aggregation Database (gnomAD). The available evidence is insufficient to determine the role of this variant in disease conclusively. Therefore, this variant is classified as a Variant of Uncertain Significance.

Literature cited by the submitters: PubMed 36169650 (cited by All of Us Research Program, National Institutes of Health and Color Diagnostics, LLC DBA Color Health).

NM_007294.4(BRCA1):c.2224AAT[1] (p.Asn743del)

Gene: BRCA1 (BRCA1 DNA repair associated; minus strand). Cytogenetic location: 17q21.31.
Variant type: Microsatellite.
Coding change: c.2224AAT[1] on transcript NM_007294.4 (MANE Select); one copy of the 3-base unit AAT starting at c.2224; the reference has two copies in a row; one copy, 3 bases deleted; also written c.2227_2229del.
Protein change: p.Asn743del; deletes asparagine 743.
Molecular consequence: inframe deletion. On other transcripts: inframe indel (1), intron variant (137).
Genome position (GRCh38, 1-based): chr17:43,093,302-43,093,304, ATT deleted on the plus strand (AAT on the coding strand, the reverse complement: BRCA1 is on the minus strand); deleting any 3 consecutive bases within chr17:43,093,302-43,093,308 gives the same sequence; the position shown is the placement nearest the transcript's 3' end. VCF-style (leftmost placement, unchanged base first): chr17-43093301-CATT-C. GRCh37 (hg19) VCF-style: chr17-41245318-CATT-C.
Other names: c.2011AAT[1], p.Asn672del (NM_001407571.1, NM_001407853.1, NM_001407894.1 and 9 more transcripts); c.2224AAT[1], p.Asn743del (NM_001407581.1, NM_001407582.1, NM_001407583.1 and 30 more transcripts); c.2221AAT[1], p.Asn742del (NM_001407587.1, NM_001407590.1, NM_001407591.1 and 22 more transcripts); c.2215AAT[1], p.Asn740del (NM_001407647.1, NM_001407646.1); c.2101AAT[1], p.Asn702del (NM_001407648.1, NM_001407664.1, NM_001407665.1 and 19 more transcripts); c.2098AAT[1], p.Asn701del (NM_001407649.1, NM_001407670.1, NM_001407671.1 and 11 more transcripts); c.2146AAT[1], p.Asn717del (NM_001407653.1, NM_001407654.1, NM_001407655.1 and 4 more transcripts); c.2143AAT[1], p.Asn716del (NM_001407659.1, NM_001407660.1, NM_001407661.1 and 1 more transcripts); and 44 more; short protein forms N575del, N631del, N654del, N673del, N717del, N740del, N632del, N675del.
Identifiers: ClinVar variation 2774853 (VCV002774853.4), dbSNP rs769088801, ClinGen allele CA058725.